The following is an entry in ClinVar:

NM_001943.5(DSG2):c.2690C>A (p.Ala897Asp)

Genes: DSG2 (desmoglein 2; plus strand), DSG2-AS1 (DSG2 antisense RNA 1; minus strand). Cytogenetic location: 18q12.1.
Variant type: single nucleotide variant.
Coding change: c.2690C>A on transcript NM_001943.5 (MANE Select); coding-DNA position 2690, C replaced by A.
Protein change: p.Ala897Asp; replaces alanine 897 with aspartic acid.
Molecular consequence: missense variant.
Genome position (GRCh38, 1-based): chr18:31,546,076, C>A. VCF-style: chr18-31546076-C-A. GRCh37 (hg19) VCF-style: chr18-29126039-C-A.
Other names: p.A897D:GCC>GAC; c.2690C>A (LRG_397t1); short protein forms A897D.
Identifiers: ClinVar variation 199818 (VCV000199818.17), dbSNP rs765238150, ClinGen allele CA021867.

ClinVar aggregate classification (germline): Uncertain significance. Review status: criteria provided, multiple submitters, no conflicts (2 of 4 stars). 7 submissions from 7 submitters: Uncertain significance (7). Last evaluated 2026-06-01.

Conditions:
Cardiovascular phenotype. Identifiers: MedGen CN230736.
Cardiomyopathy (CMYO). Also called: Cardiomyopathies. Identifiers: Orphanet 167848, MedGen C0878544, MONDO:0004994, HP:0001638. Inheritance: Various modes of inheritance.
Arrhythmogenic right ventricular cardiomyopathy (ARVD). Also called: Arrhythmogenic right ventricular dysplasia; Cardiomyopathy, ARVC; Arrhythmogenic cardiomyopathy; Arrhythmogenic Right Ventricular Cardiomyopathy (ARVC). Identifiers: Orphanet 247, MedGen C0349788, MeSH D019571, MONDO:0016587. Disease mechanism: loss of function. Inheritance: Various modes of inheritance.
Arrhythmogenic right ventricular dysplasia 10. Also called: Arrhythmogenic Right Ventricular Dysplasia/Cardiomyopathy10; ARRHYTHMOGENIC RIGHT VENTRICULAR DYSPLASIA, FAMILIAL, 10; Arrhythmogenic right ventricular dysplasia/cardiomyopathy, type 10. Identifiers: MedGen C1857777, MONDO:0012434, OMIM 610193.

Allele frequency attached by ClinVar (database versions not stated): gnomAD 0.00001; gnomAD exomes 0.00001 and 0.00003; TOPMed 0.00001; ExAC 0.00004.

Submissions (7):

CeGaT Center for Human Genetics Tuebingen
Classification: Uncertain significance. Last evaluated: 2026-06-01. Review status: criteria provided, single submitter. Criteria: CeGaT Center For Human Genetics Tuebingen Variant Classification Criteria Version 2. Collection method: clinical testing. Allele origin: germline. Affected: yes. Observed: 1 variant allele.
Comment: DSG2: PM2, BP4

GeneDx
Classification: Uncertain significance. Last evaluated: 2025-12-30. Review status: criteria provided, single submitter. Criteria: GeneDx Variant Classification Process June 2021. Collection method: clinical testing. Allele origin: germline. Affected: yes.
Comment: In silico analysis suggests that this missense variant does not alter protein structure/function; Has not been previously published as pathogenic or benign to our knowledge

Ambry Genetics
Classification: Uncertain significance for Cardiovascular phenotype. Last evaluated: 2025-04-18. Review status: criteria provided, single submitter. Criteria: Ambry Variant Classification Scheme 2023. Collection method: clinical testing. Allele origin: germline.

Molecular Diagnostic Laboratory for Inherited Cardiovascular Disease, Montreal Heart Institute
Classification: Uncertain significance for Cardiovascular phenotype. Last evaluated: 2025-04-09. Review status: criteria provided, single submitter. Criteria: ACMG Guidelines, 2015. Collection method: clinical testing. Allele origin: germline. Affected: yes.

Labcorp Genetics (formerly Invitae), Labcorp
Classification: Uncertain significance for Arrhythmogenic right ventricular dysplasia 10. Last evaluated: 2024-12-16. Review status: criteria provided, single submitter. Criteria: Invitae Variant Classification Sherloc (09022015). Collection method: clinical testing. Allele origin: germline.
Comment: This sequence change replaces alanine, which is neutral and non-polar, with aspartic acid, which is acidic and polar, at codon 897 of the DSG2 protein (p.Ala897Asp). This variant is present in population databases (rs765238150, gnomAD 0.005%). This variant has not been reported in the literature in individuals affected with DSG2-related conditions. ClinVar contains an entry for this variant (Variation ID: 199818). Invitae Evidence Modeling of protein sequence and biophysical properties (such as structural, functional, and spatial information, amino acid conservation, physicochemical variation, residue mobility, and thermodynamic stability) indicates that this missense variant is not expected to disrupt DSG2 protein function with a negative predictive value of 95%. In summary, the available evidence is currently insufficient to determine the role of this variant in disease. Therefore, it has been classified as a Variant of Uncertain Significance.

All of Us Research Program, National Institutes of Health
Classification: Uncertain significance for Arrhythmogenic right ventricular cardiomyopathy. Last evaluated: 2024-05-14. Review status: criteria provided, single submitter. Criteria: ACMG Guidelines, 2015. Collection method: clinical testing. Allele origin: germline. Inheritance: Autosomal dominant inheritance. Observed: 5 variant alleles, 5 heterozygotes.
Comment: This missense variant replaces alanine with aspartic acid at codon 897 of the DSG2 protein. Computational prediction suggests that this variant may not impact protein structure and function (internally defined REVEL score threshold <= 0.5, PMID: 27666373). To our knowledge, functional studies have not been reported for this variant. This variant has not been reported in individuals affected with cardiovascular disorders in the literature. This variant has been identified in 9/280358 chromosomes in the general population by the Genome Aggregation Database (gnomAD). The available evidence is insufficient to determine the role of this variant in disease conclusively. Therefore, this variant is classified as a Variant of Uncertain Significance.

This study involves interpretation of variants in research participants for the purpose of population health screening. Participant phenotype was not available at the time of variant classification. Additional details can be found in publication PMID: 35346344, PMCID: PMC8962531

Color Diagnostics, LLC DBA Color Health
Classification: Uncertain significance for Cardiomyopathy. Last evaluated: 2024-03-06. Review status: criteria provided, single submitter. Criteria: ACMG Guidelines, 2015. Collection method: clinical testing. Allele origin: germline.
Comment: This missense variant replaces alanine with aspartic acid at codon 897 of the DSG2 protein. Computational prediction suggests that this variant may not impact protein structure and function (internally defined REVEL score threshold <= 0.5, PMID: 27666373). To our knowledge, functional studies have not been reported for this variant. This variant has not been reported in individuals affected with cardiovascular disorders in the literature. This variant has been identified in 9/280358 chromosomes in the general population by the Genome Aggregation Database (gnomAD). The available evidence is insufficient to determine the role of this variant in disease conclusively. Therefore, this variant is classified as a Variant of Uncertain Significance.